The following is an entry in ClinVar:

NM_015164.4(PLEKHM2):c.1036G>T (p.Ala346Ser)

Gene: PLEKHM2 (pleckstrin homology and RUN domain containing M2; plus strand). Cytogenetic location: 1p36.21.
Variant type: single nucleotide variant.
Coding change: c.1036G>T on transcript NM_015164.4 (MANE Select); coding-DNA position 1036, G replaced by T.
Protein change: p.Ala346Ser; replaces alanine 346 with serine.
Molecular consequence: missense variant.
Genome position (GRCh38, 1-based): chr1:15,727,108, G>T. VCF-style: chr1-15727108-G-T. GRCh37 (hg19) VCF-style: chr1-16053603-G-T.
Other names: c.976G>T, p.Ala326Ser (NM_001410755.1); short protein forms A346S, A326S.
Identifiers: ClinVar variation 3008946 (VCV003008946.3), dbSNP rs1181694783, ClinGen allele CA338584933.

ClinVar aggregate classification (germline): Uncertain significance (1 of 4 stars; one submission).

Submission:

Labcorp Genetics (formerly Invitae), Labcorp
Classification: Uncertain significance. Last evaluated: 2023-04-06. Review status: criteria provided, single submitter. Criteria: Invitae Variant Classification Sherloc (09022015). Collection method: clinical testing. Allele origin: germline.
Comment: This sequence change replaces alanine, which is neutral and non-polar, with serine, which is neutral and polar, at codon 346 of the PLEKHM2 protein (p.Ala346Ser). This variant is not present in population databases (gnomAD no frequency). This variant has not been reported in the literature in individuals affected with PLEKHM2-related conditions. Algorithms developed to predict the effect of missense changes on protein structure and function output the following: SIFT: "Not Available"; PolyPhen-2: "Benign"; Align-GVGD: "Not Available". The serine amino acid residue is found in multiple mammalian species, which suggests that this missense change does not adversely affect protein function. In summary, the available evidence is currently insufficient to determine the role of this variant in disease. Therefore, it has been classified as a Variant of Uncertain Significance.